The following is an entry in ClinVar:

ClinVar aggregate classification (germline): Conflicting classifications of pathogenicity. Review status: criteria provided, conflicting classifications (1 of 4 stars). 3 submissions from 3 submitters: Uncertain significance (2); Likely benign (1). Last evaluated 2025-11-10.

Conditions:
RASopathy. Also called: rasopathies; Noonan spectrum disorder. Identifiers: Orphanet 536391, MedGen C5555857, MONDO:0021060.

Allele frequency attached by ClinVar (database versions not stated): gnomAD exomes below 0.00001.
gnomAD v4.1: 5 of 1,613,656 alleles (0.00031%); highest among the groups gnomAD compares: Non-Finnish European, 0.00042%; no homozygotes.

Submissions (3):

Labcorp Genetics (formerly Invitae), Labcorp
Classification: Uncertain significance for RASopathy. Last evaluated: 2025-11-10. Review status: criteria provided, single submitter. Criteria: Invitae Variant Classification Sherloc (09022015). Collection method: clinical testing. Allele origin: germline.
Comment: This sequence change replaces glutamic acid, which is acidic and polar, with lysine, which is basic and polar, at codon 533 of the SOS1 protein (p.Glu533Lys). This variant is present in population databases (rs780038520, gnomAD 0.0009%). This variant has not been reported in the literature in individuals affected with SOS1-related conditions. ClinVar contains an entry for this variant (Variation ID: 2734167). Invitae Evidence Modeling of protein sequence and biophysical properties (such as structural, functional, and spatial information, amino acid conservation, physicochemical variation, residue mobility, and thermodynamic stability) has been performed for this missense variant. However, the output from this modeling did not meet the statistical confidence thresholds required to predict the impact of this variant on SOS1 protein function. In summary, the available evidence is currently insufficient to determine the role of this variant in disease. Therefore, it has been classified as a Variant of Uncertain Significance.

GeneDx
Classification: Uncertain significance. Last evaluated: 2024-12-11. Review status: criteria provided, single submitter. Criteria: GeneDx Variant Classification Process June 2021. Collection method: clinical testing. Allele origin: germline. Affected: yes.
Comment: Reported previously as an inherited variant in a patient with autism; however, this patient also has de novo variants in two other genes (PMID: 23849776); Missense variants in this gene are a common cause of disease and they are underrepresented in the general population; In silico analysis supports that this missense variant has a deleterious effect on protein structure/function; This variant is associated with the following publications: (PMID: 23849776)

Blueprint Genetics
Classification: Likely benign. Last evaluated: 2024-11-26. Review status: criteria provided, single submitter. Criteria: ACMG Guidelines, 2015. Collection method: clinical testing. Allele origin: germline.

NM_005633.4(SOS1):c.1597G>A (p.Glu533Lys)

Gene: SOS1 (SOS Ras/Rac guanine nucleotide exchange factor 1; minus strand). Cytogenetic location: 2p22.1.
Variant type: single nucleotide variant.
Coding change: c.1597G>A on transcript NM_005633.4 (MANE Select); coding-DNA position 1597, G replaced by A.
Protein change: p.Glu533Lys; replaces glutamic acid 533 with lysine.
Molecular consequence: missense variant.
Genome position (GRCh38, 1-based): chr2:39,022,831, C>T on the plus strand (G>A on the coding strand, the complement: SOS1 is on the minus strand). VCF-style: chr2-39022831-C-T. GRCh37 (hg19) VCF-style: chr2-39249972-C-T.
Other names: c.1576G>A, p.Glu526Lys (NM_001382394.1); c.1597G>A, p.Glu533Lys (NM_001382395.1); short protein forms E526K, E533K.
Identifiers: ClinVar variation 2734167 (VCV002734167.5), dbSNP rs780038520, ClinGen allele CA45674592.